The following is an entry in ClinVar:

NM_001243133.2(NLRP3):c.2185C>A (p.Arg729=)

Gene: NLRP3 (NLR family pyrin domain containing 3; plus strand). Cytogenetic location: 1q44.
Variant type: single nucleotide variant.
Coding change: c.2185C>A on transcript NM_001243133.2 (MANE Select); coding-DNA position 2185, C replaced by A.
Protein change: p.Arg729=; no amino-acid change (arginine 729 retained).
Molecular consequence: synonymous variant. On other transcripts: intron variant (2).
Genome position (GRCh38, 1-based): chr1:247,429,619, C>A. VCF-style: chr1-247429619-C-A. GRCh37 (hg19) VCF-style: chr1-247592921-C-A.
Other names: c.2185C>A, p.Arg729= (NM_001079821.3, NM_001127461.3); c.2191C>A, p.Arg731= (NM_004895.5); c.2150+4020C>A (NM_001127462.3, NM_183395.3).
Identifiers: ClinVar variation 296949 (VCV000296949.17), dbSNP rs148590318, ClinGen allele CA1495153.

ClinVar aggregate classification (germline): Benign/Likely benign. Review status: criteria provided, multiple submitters, no conflicts (2 of 4 stars). 8 submissions from 6 submitters: Benign (4); Likely benign (3). 1 of the submissions does not count toward it. Last evaluated 2025-09-25.

Conditions:
NLRP3-related disorder. Also called: NLRP3-Related Disorders; NLRP3-related condition.
Chronic infantile neurological, cutaneous and articular syndrome (CINCA). Also called: CHRONIC NEUROLOGIC CUTANEOUS AND ARTICULAR SYNDROME; CRYOPYRIN-ASSOCIATED PERIODIC SYNDROME 3; CINCA syndrome; Prieur Griscelli syndrome. Identifiers: Orphanet 1451, MedGen C0409818, MONDO:0011776, OMIM 607115.
Keratitis fugax hereditaria. Also called: KERATOENDOTHELIITIS FUGAX HEREDITARIA. Identifiers: Orphanet 647815, MedGen C1835697, MONDO:0007849, OMIM 148200.
Familial cold autoinflammatory syndrome 1 (FCAS1). Also called: CRYOPYRIN-ASSOCIATED PERIODIC SYNDROME 1; Familial cold inflammatory syndrome 1. Identifiers: Orphanet 47045, MedGen C4551895, MONDO:0007349, OMIM 120100.
Familial amyloid nephropathy with urticaria AND deafness (MWS). Also called: Urticaria, deafness and amyloidosis; CRYOPYRIN-ASSOCIATED PERIODIC SYNDROME 2; UDA SYNDROME; URTICARIA-DEAFNESS-AMYLOIDOSIS SYNDROME; MUCKLE-WELLS SYNDROME. Identifiers: Orphanet 575, MedGen C0268390, MONDO:0008633, OMIM 191900.
Hearing loss, autosomal dominant 34, with or without inflammation. Also called: DEAFNESS, AUTOSOMAL DOMINANT 34, WITH OR WITHOUT INFLAMMATION. Identifiers: MedGen C4521680, MONDO:0033261, OMIM 617772.
Cryopyrin associated periodic syndrome (CAPS). Identifiers: Orphanet 208650, MedGen C2316212, MONDO:0016168.

Allele frequency attached by ClinVar (database versions not stated): TOPMed 0.00005; ESP Exome Variant Server 0.00023.
gnomAD v4.1: 54 of 1,614,144 alleles (0.0033%); highest among the groups gnomAD compares: South Asian, 0.019%; 1 homozygote.

Submissions (8):

Women's Health and Genetics/Laboratory Corporation of America, LabCorp
Classification: Benign. Last evaluated: 2025-09-25. Review status: criteria provided, single submitter. Criteria: LabCorp Variant Classification Summary - May 2015. Collection method: clinical testing. Allele origin: germline.

Labcorp Genetics (formerly Invitae), Labcorp
Classification: Likely benign for Cryopyrin associated periodic syndrome. Last evaluated: 2025-06-09. Review status: criteria provided, single submitter. Criteria: Invitae Variant Classification Sherloc (09022015). Collection method: clinical testing. Allele origin: germline.

Fulgent Genetics
Classification: Likely benign for Familial cold autoinflammatory syndrome 1; Keratitis fugax hereditaria; Familial amyloid nephropathy with urticaria AND deafness; Chronic infantile neurological, cutaneous and articular syndrome; Hearing loss, autosomal dominant 34, with or without inflammation. Last evaluated: 2024-05-16. Review status: criteria provided, single submitter. Criteria: ACMG Guidelines, 2015. Collection method: clinical testing. Allele origin: germline.

Blueprint Genetics
Classification: Likely benign. Last evaluated: 2024-03-26. Review status: criteria provided, single submitter. Criteria: ACMG Guidelines, 2015. Collection method: clinical testing. Allele origin: germline.

Illumina Laboratory Services, Illumina
Classification: Benign for Familial cold autoinflammatory syndrome 1. Last evaluated: 2018-01-13. Review status: criteria provided, single submitter. Criteria: ICSL Variant Classification Criteria 13 December 2019. Collection method: clinical testing. Allele origin: germline.
Comment: This variant was observed in the ICSL laboratory as part of a predisposition screen in an ostensibly healthy population. It had not been previously curated by ICSL or reported in the Human Gene Mutation Database (HGMD: prior to June 1st, 2018), and was therefore a candidate for classification through an automated scoring system. Utilizing variant allele frequency, disease prevalence and penetrance estimates, and inheritance mode, an automated score was calculated to assess if this variant is too frequent to cause the disease. Based on the score and internal cut-off values, a variant classified as benign is not then subjected to further curation. The score for this variant resulted in a classification of benign for this disease.

Illumina Laboratory Services, Illumina
Classification: Benign for Chronic infantile neurological, cutaneous and articular syndrome. Last evaluated: 2018-01-13. Review status: criteria provided, single submitter. Criteria: ICSL Variant Classification Criteria 13 December 2019. Collection method: clinical testing. Allele origin: germline.
Comment: the same text as in the submission from Illumina Laboratory Services, Illumina above.

Illumina Laboratory Services, Illumina
Classification: Benign for Familial amyloid nephropathy with urticaria AND deafness. Last evaluated: 2018-01-13. Review status: criteria provided, single submitter. Criteria: ICSL Variant Classification Criteria 13 December 2019. Collection method: clinical testing. Allele origin: germline.
Comment: the same text as in the submission from Illumina Laboratory Services, Illumina above.

PreventionGenetics, part of Exact Sciences
Classification: Likely benign for NLRP3-related condition. Last evaluated: 2021-04-27. Review status: no assertion criteria provided. Collection method: clinical testing. Allele origin: germline. Not counted in ClinVar's aggregate classification.
Comment: This variant is classified as likely benign based on ACMG/AMP sequence variant interpretation guidelines (Richards et al. 2015 PMID: 25741868, with internal and published modifications).